The following is an entry in ClinVar:

ClinVar aggregate classification (germline): Benign. Review status: criteria provided, multiple submitters, no conflicts (2 of 4 stars). 2 submissions from 2 submitters: Benign (2). Last evaluated 2019-01-11.

Allele frequency attached by ClinVar (database versions not stated): 1000 Genomes Project 0.73902; 1000 Genomes Project 30x 0.74250; gnomAD exomes 0.80303; TOPMed 0.81493; gnomAD 0.81641 and 0.81772.

Submissions (2):

GeneDx
Classification: Benign. Last evaluated: 2019-01-11. Review status: criteria provided, single submitter. Criteria: GeneDx Variant Classification Process June 2021. Collection method: clinical testing. Allele origin: germline. Affected: yes.
Comment: This variant is associated with the following publications: (PMID: 28463648)

Breakthrough Genomics
Classification: Benign. Review status: criteria provided, single submitter. Criteria: ACMG Guidelines, 2015. Collection method: not provided. Allele origin: germline. Inheritance: Unknown mechanism. Affected: yes.

NC_000011.10:g.1310024G>C

Genes: TOLLIP (toll interacting protein; minus strand), TOLLIP-DT (TOLLIP divergent transcript; plus strand). Cytogenetic location: 11p15.5.
Variant type: single nucleotide variant.
Molecular consequence: non-coding transcript variant (on NR_029409.1).
Genome position: GRCh38 VCF-style: chr11-1310024-G-C. GRCh37 (hg19) VCF-style: chr11-1331254-G-C.
Identifiers: ClinVar variation 1249282 (VCV001249282.3), dbSNP rs5743854, ClinGen allele CA13514605.
Genomic context (GRCh38, chr11:1,310,024, plus strand): 5'-GGAGAAGGGAGGGAACTGTGGCCCGCAACAAAGCAGTGACAGGCCCGACATCCCCTGCAG[G>C]GCGATCTTTCCCTCAGCTGCCTGCCGGAGGAAGGGCCTTTCTGTTTCACAGGGCTAAAGA-3'